The following is an entry in ClinVar:

NM_002334.4(LRP4):c.2996G>A (p.Arg999Gln)

Gene: LRP4 (LDL receptor related protein 4; minus strand). Cytogenetic location: 11p11.2.
Variant type: single nucleotide variant.
Coding change: c.2996G>A on transcript NM_002334.4 (MANE Select); coding-DNA position 2996, G replaced by A.
Protein change: p.Arg999Gln; replaces arginine 999 with glutamine.
Molecular consequence: missense variant.
Genome position (GRCh38, 1-based): chr11:46,879,134, C>T on the plus strand (G>A on the coding strand, the complement: LRP4 is on the minus strand). VCF-style: chr11-46879134-C-T. GRCh37 (hg19) VCF-style: chr11-46900685-C-T.
Other names: short protein forms R999Q.
Identifiers: ClinVar variation 2159805 (VCV002159805.4), dbSNP rs779430923, ClinGen allele CA5969738.

ClinVar aggregate classification (germline): Uncertain significance (1 of 4 stars; one submission).

Conditions:
Cenani-Lenz syndactyly syndrome. Also called: SYNDACTYLY, TYPE VII; CENANI SYNDACTYLISM. Identifiers: Orphanet 3258, MedGen C1859309, MONDO:0008931, OMIM 212780.
Sclerosteosis 2 (SOST2). Identifiers: Orphanet 3152, MedGen C3280402, MONDO:0013679, OMIM 614305.
Congenital myasthenic syndrome 17. Identifiers: Orphanet 590, MedGen C4225377, MONDO:0014578, OMIM 616304.

Allele frequency attached by ClinVar (database versions not stated): ExAC 0.00001; gnomAD 0.00001; gnomAD exomes 0.00001; TOPMed 0.00003.
gnomAD v4.1: 13 of 1,614,066 alleles (0.00081%); highest among the groups gnomAD compares: Admixed American, 0.005%; no homozygotes.

Submission:

Labcorp Genetics (formerly Invitae), Labcorp
Classification: Uncertain significance for Cenani-Lenz syndactyly syndrome; Sclerosteosis 2; Congenital myasthenic syndrome 17. Last evaluated: 2023-10-13. Review status: criteria provided, single submitter. Criteria: Invitae Variant Classification Sherloc (09022015). Collection method: clinical testing. Allele origin: germline.
Comment: This sequence change replaces arginine, which is basic and polar, with glutamine, which is neutral and polar, at codon 999 of the LRP4 protein (p.Arg999Gln). This variant is present in population databases (rs779430923, gnomAD 0.006%). This variant has not been reported in the literature in individuals affected with LRP4-related conditions. ClinVar contains an entry for this variant (Variation ID: 2159805). Advanced modeling of protein sequence and biophysical properties (such as structural, functional, and spatial information, amino acid conservation, physicochemical variation, residue mobility, and thermodynamic stability) performed at Invitae indicates that this missense variant is not expected to disrupt LRP4 protein function. In summary, the available evidence is currently insufficient to determine the role of this variant in disease. Therefore, it has been classified as a Variant of Uncertain Significance.